The following is an entry in ClinVar:

NM_015294.6(TRIM37):c.2186_2187del (p.Ser729fs)

Gene: TRIM37 (tripartite motif containing 37; minus strand). Cytogenetic location: 17q22.
Variant type: Microsatellite.
Coding change: c.2186_2187del on transcript NM_015294.6 (MANE Select); coding-DNA positions 2186 to 2187, 2 bases deleted (CT; older notation c.2186_2187delCT).
Protein change: p.Ser729fs; shifts the reading frame from serine 729.
Molecular consequence: frameshift variant. On other transcripts: non-coding transcript variant (2).
Genome position (GRCh38, 1-based): chr17:59,028,485-59,028,486, AG deleted on the plus strand (CT on the coding strand, the reverse complement: TRIM37 is on the minus strand); deleting any 2 consecutive bases within chr17:59,028,485-59,028,488 gives the same sequence; the c. name uses the placement nearest the transcript's 3' end. VCF-style (leftmost placement, unchanged base first): chr17-59028484-CAG-C. GRCh37 (hg19) VCF-style: chr17-57105845-CAG-C.
Other names: c.2186_2187del, p.Ser729fs (NM_001005207.5, NM_001320988.3, NM_001320989.3 and 1 more transcripts); c.2084_2085del, p.Ser695fs (NM_001320987.3, NM_001353082.2); c.1820_1821del, p.Ser607fs (NM_001320990.3); c.1451_1452del, p.Ser484fs (NM_001353083.2); c.1724_1725del, p.Ser575fs (NM_001353085.2); c.2135_2136del, p.Ser712fs (NM_001353086.2); short protein forms S484fs, S575fs, S607fs, S695fs, S712fs, S729fs.
Identifiers: ClinVar variation 3240626 (VCV003240626.3), dbSNP rs760979558.

ClinVar aggregate classification (germline): Likely pathogenic. Review status: criteria provided, multiple submitters, no conflicts (2 of 4 stars). 2 submissions from 2 submitters: Likely pathogenic (2). Last evaluated 2024-02-13.

Conditions:
Mulibrey nanism syndrome. Also called: MUSCLE-LIVER-BRAIN-EYE NANISM; PERHEENTUPA SYNDROME; PERICARDIAL CONSTRICTION AND GROWTH FAILURE. Identifiers: Orphanet 2576, MedGen C0524582, MONDO:0009664, OMIM 253250.

Submissions (2):

Baylor Genetics
Classification: Likely pathogenic for Mulibrey nanism syndrome. Last evaluated: 2024-02-13. Review status: criteria provided, single submitter. Criteria: ACMG Guidelines, 2015. Collection method: clinical testing. Allele origin: unknown.

Juno Genomics, Hangzhou Juno Genomics, Inc
Classification: Likely pathogenic for Mulibrey nanism syndrome. Review status: criteria provided, single submitter. Criteria: ACMG Guidelines, 2015. Collection method: clinical testing. Allele origin: germline.
Comment: Null variant in a gene where loss of function (LOF) is a known mechanism of disease.;Absent from controls (or at extremely low frequency if recessive) in Genome Aggregation Database.